The following is an entry in ClinVar:

ClinVar aggregate classification (germline): Conflicting classifications of pathogenicity. Review status: criteria provided, conflicting classifications (1 of 4 stars). 2 submissions from 2 submitters: Likely pathogenic (1); Uncertain significance (1). Last evaluated 2025-04-28.

Allele frequency attached by ClinVar (database versions not stated): gnomAD exomes below 0.00001; ExAC 0.00001.
gnomAD v4.1: 4 of 1,614,258 alleles (0.00025%); highest among the groups gnomAD compares: Non-Finnish European, 0.00025%; no homozygotes.

Submissions (2):

GeneDx
Classification: Likely pathogenic. Last evaluated: 2025-04-28. Review status: criteria provided, single submitter. Criteria: GeneDx Variant Classification Process June 2021. Collection method: clinical testing. Allele origin: germline. Affected: yes.
Comment: In silico analysis supports that this missense variant has a deleterious effect on protein structure/function; Not observed at significant frequency in large population cohorts (gnomAD); This variant is associated with the following publications: (PMID: 29339051)

Labcorp Genetics (formerly Invitae), Labcorp
Classification: Uncertain significance. Last evaluated: 2020-12-24. Review status: criteria provided, single submitter. Criteria: Invitae Variant Classification Sherloc (09022015). Collection method: clinical testing. Allele origin: germline.
Comment: In summary, the available evidence is currently insufficient to determine the role of this variant in disease. Therefore, it has been classified as a Variant of Uncertain Significance. This variant disrupts the p.Val87 amino acid residue in GFAP. Other variant(s) that disrupt this residue have been observed in individuals with GFAP-related conditions (PMID: 21822933, 11867077), which suggests that this may be a clinically significant amino acid residue. Algorithms developed to predict the effect of missense changes on protein structure and function are either unavailable or do not agree on the potential impact of this missense change (SIFT: "Deleterious"; PolyPhen-2: "Benign"; Align-GVGD: "Class C45"). This variant has been observed in individual(s) with Alexander disease (PMID: 29339051). This variant is present in population databases (rs267607518, ExAC 0.002%). This sequence change replaces valine with phenylalanine at codon 87 of the GFAP protein (p.Val87Phe). The valine residue is highly conserved and there is a small physicochemical difference between valine and phenylalanine.

Literature cited by the submitters: PubMed 21822933 (cited by Labcorp Genetics (formerly Invitae), Labcorp); PubMed 11867077 (cited by Labcorp Genetics (formerly Invitae), Labcorp); PubMed 29339051 (cited by Labcorp Genetics (formerly Invitae), Labcorp).

NM_002055.5(GFAP):c.259G>T (p.Val87Phe)

Gene: GFAP (glial fibrillary acidic protein; minus strand). Cytogenetic location: 17q21.31.
Variant type: single nucleotide variant.
Coding change: c.259G>T on transcript NM_002055.5 (MANE Select); coding-DNA position 259, G replaced by T.
Protein change: p.Val87Phe; replaces valine 87 with phenylalanine.
Molecular consequence: missense variant.
Genome position (GRCh38, 1-based): chr17:44,915,228, C>A on the plus strand (G>T on the coding strand, the complement: GFAP is on the minus strand). VCF-style: chr17-44915228-C-A. GRCh37 (hg19) VCF-style: chr17-42992596-C-A.
Other names: c.259G>T, p.Val87Phe (NM_001131019.3, NM_001242376.3, NM_001363846.2); c.259G>T (NM_002055.4); short protein forms V87F.
Identifiers: ClinVar variation 1351005 (VCV001351005.9), dbSNP rs267607518, ClinGen allele CA8609075.